The following is an entry in ClinVar:

NM_024757.5(EHMT1):c.324C>T (p.His108=)

Gene: EHMT1 (euchromatic histone lysine methyltransferase 1; plus strand). Cytogenetic location: 9q34.3.
Variant type: single nucleotide variant.
Coding change: c.324C>T on transcript NM_024757.5 (MANE Select); coding-DNA position 324, C replaced by T.
Protein change: p.His108=; no amino-acid change (histidine 108 retained).
Molecular consequence: synonymous variant.
Genome position (GRCh38, 1-based): chr9:137,716,864, C>T. VCF-style: chr9-137716864-C-T. GRCh37 (hg19) VCF-style: chr9-140611316-C-T.
Other names: c.324C>T, p.His108= (NM_001145527.2, NM_001354263.2, NM_001354611.2); c.231C>T, p.His77= (NM_001354259.2, NM_001354612.2).
Identifiers: ClinVar variation 365993 (VCV000365993.18), dbSNP rs574402576, ClinGen allele CA5374267.

ClinVar aggregate classification (germline): Benign/Likely benign. Review status: criteria provided, multiple submitters, no conflicts (2 of 4 stars). 4 submissions from 4 submitters: Benign (1); Likely benign (2). 1 of the submissions does not count toward it. Last evaluated 2024-10-23.

Conditions:
EHMT1-related disorder. Also called: EHMT1-related condition.
Kleefstra syndrome 1 (KLEFS1). Identifiers: Orphanet 261494, MedGen C0795833, MONDO:0027407, OMIM 610253.
Inborn genetic diseases. Identifiers: MedGen C0950123, MeSH D030342.

Allele frequency attached by ClinVar (database versions not stated): ExAC 0.00001; TOPMed 0.00003; 1000 Genomes Project 0.00020; 1000 Genomes Project 30x 0.00031.
gnomAD v4.1: 49 of 1,613,282 alleles (0.003%); highest among the groups gnomAD compares: East Asian, 0.018%; no homozygotes.

Submissions (4):

Labcorp Genetics (formerly Invitae), Labcorp
Classification: Likely benign for Kleefstra syndrome 1. Last evaluated: 2024-10-23. Review status: criteria provided, single submitter. Criteria: Invitae Variant Classification Sherloc (09022015). Collection method: clinical testing. Allele origin: germline.

Blueprint Genetics
Classification: Likely benign. Last evaluated: 2023-10-18. Review status: criteria provided, single submitter. Criteria: ACMG Guidelines, 2015. Collection method: clinical testing. Allele origin: germline.

Ambry Genetics
Classification: Benign for Inborn genetic diseases. Last evaluated: 2019-05-12. Review status: criteria provided, single submitter. Criteria: Ambry Variant Classification Scheme 2023. Collection method: clinical testing. Allele origin: germline.

PreventionGenetics, part of Exact Sciences
Classification: Likely benign for EHMT1-related condition. Last evaluated: 2019-05-08. Review status: no assertion criteria provided. Collection method: clinical testing. Allele origin: germline. Not counted in ClinVar's aggregate classification.
Comment: This variant is classified as likely benign based on ACMG/AMP sequence variant interpretation guidelines (Richards et al. 2015 PMID: 25741868, with internal and published modifications).